The following is an entry in ClinVar:

NM_001375883.1(GPR161):c.1499G>C (p.Gly500Ala)

Gene: GPR161 (G protein-coupled receptor 161; minus strand). Cytogenetic location: 1q24.2.
Variant type: single nucleotide variant.
Coding change: c.1499G>C on transcript NM_001375883.1 (MANE Select); coding-DNA position 1499, G replaced by C.
Protein change: p.Gly500Ala; replaces glycine 500 with alanine.
Molecular consequence: missense variant.
Genome position (GRCh38, 1-based): chr1:168,085,622, C>G on the plus strand (G>C on the coding strand, the complement: GPR161 is on the minus strand). VCF-style: chr1-168085622-C-G. GRCh37 (hg19) VCF-style: chr1-168054860-C-G.
Other names: c.1499G>C, p.Gly500Ala (NM_001349634.1, NM_001375884.1, NM_001375885.1 and 5 more transcripts); c.1103G>C, p.Gly368Ala (NM_001349635.1, NM_001267612.2); c.1559G>C, p.Gly520Ala (NM_001267609.1); c.1550G>C, p.Gly517Ala (NM_001267611.1); c.1265G>C, p.Gly422Ala (NM_001267613.1); c.1157G>C, p.Gly386Ala (NM_001267614.1); short protein forms G500A, G422A, G520A, G368A, G517A, G386A.
Identifiers: ClinVar variation 3631885 (VCV003631885.2).

ClinVar aggregate classification (germline): Uncertain significance (1 of 4 stars; one submission).

gnomAD v4.1: 30 of 1,613,954 alleles (0.0019%); highest among the groups gnomAD compares: Non-Finnish European, 0.0025%; no homozygotes.

Submission:

Labcorp Genetics (formerly Invitae), Labcorp
Classification: Uncertain significance. Last evaluated: 2024-09-27. Review status: criteria provided, single submitter. Criteria: Invitae Variant Classification Sherloc (09022015). Collection method: clinical testing. Allele origin: germline.
Comment: This sequence change replaces glycine, which is neutral and non-polar, with alanine, which is neutral and non-polar, at codon 520 of the GPR161 protein (p.Gly520Ala). This variant is not present in population databases (gnomAD no frequency). This variant has not been reported in the literature in individuals affected with GPR161-related conditions. An algorithm developed to predict the effect of missense changes on protein structure and function outputs the following: PolyPhen-2: "Benign". The alanine amino acid residue is found in multiple mammalian species, which suggests that this missense change does not adversely affect protein function. In summary, the available evidence is currently insufficient to determine the role of this variant in disease. Therefore, it has been classified as a Variant of Uncertain Significance.